The following is an entry in ClinVar:

ClinVar aggregate classification (germline): Uncertain significance. Review status: criteria provided, multiple submitters, no conflicts (2 of 4 stars). 2 submissions from 2 submitters: Uncertain significance (2). Last evaluated 2025-09-26.

Conditions:
Joubert syndrome 18 (JBTS18). Identifiers: Orphanet 2754, MedGen C3553758, MONDO:0013896, OMIM 614815.
Orofacial-digital syndrome IV (OFD4). Also called: Orofaciodigital syndrome IV; BARAITSER-BURN SYNDROME; MOHR-MAJEWSKI SYNDROME; OFD SYNDROME WITH TIBIAL DEFECTS; OFD SYNDROME, BARAITSER-BURN TYPE; OFDS IV. Identifiers: Orphanet 2753, MedGen C0406727, MONDO:0009794, OMIM 258860.
Inborn genetic diseases. Identifiers: MedGen C0950123, MeSH D030342.

Allele frequency attached by ClinVar (database versions not stated): gnomAD exomes 0.00001; TOPMed 0.00002.
gnomAD v4.1: 19 of 1,610,310 alleles (0.0012%); highest among the groups gnomAD compares: Non-Finnish European, 0.0015%; no homozygotes.

Submissions (2):

Ambry Genetics
Classification: Uncertain significance for Inborn genetic diseases. Last evaluated: 2025-09-26. Review status: criteria provided, single submitter. Criteria: Ambry Variant Classification Scheme 2023. Collection method: clinical testing. Allele origin: germline.

Labcorp Genetics (formerly Invitae), Labcorp
Classification: Uncertain significance for Joubert syndrome 18; Orofacial-digital syndrome IV. Last evaluated: 2022-07-27. Review status: criteria provided, single submitter. Criteria: Invitae Variant Classification Sherloc (09022015). Collection method: clinical testing. Allele origin: germline.
Comment: This sequence change replaces valine, which is neutral and non-polar, with alanine, which is neutral and non-polar, at codon 164 of the TCTN3 protein (p.Val164Ala). This variant is not present in population databases (gnomAD no frequency). This variant has not been reported in the literature in individuals affected with TCTN3-related conditions. ClinVar contains an entry for this variant (Variation ID: 1494017). Algorithms developed to predict the effect of missense changes on protein structure and function (SIFT, PolyPhen-2, Align-GVGD) all suggest that this variant is likely to be tolerated. In summary, the available evidence is currently insufficient to determine the role of this variant in disease. Therefore, it has been classified as a Variant of Uncertain Significance.

NM_015631.6(TCTN3):c.491T>C (p.Val164Ala)

Gene: TCTN3 (tectonic family member 3; minus strand). Cytogenetic location: 10q24.1.
Variant type: single nucleotide variant.
Coding change: c.491T>C on transcript NM_015631.6 (MANE Select); coding-DNA position 491, T replaced by C.
Protein change: p.Val164Ala; replaces valine 164 with alanine.
Molecular consequence: missense variant.
Genome position (GRCh38, 1-based): chr10:95,692,928, A>G on the plus strand (T>C on the coding strand, the complement: TCTN3 is on the minus strand). VCF-style: chr10-95692928-A-G. GRCh37 (hg19) VCF-style: chr10-97452685-A-G.
Other names: c.491T>C, p.Val164Ala (NM_001143973.2); c.491T>C (NM_015631.5); short protein forms V164A.
Identifiers: ClinVar variation 1494017 (VCV001494017.6), dbSNP rs1314557393, ClinGen allele CA377710810.
Genomic context (GRCh38, chr10:95,692,928, plus strand): 5'-ATATAACACTCCTGTGTTAGAAAATGAGAACAACCAACATGTTTCTACTCACAGTTGTTC[A>G]CATGGACACAAAACTGCCTGATTCCATTAGAATCCATGAAAACTCTTGAAGGAAACGGGG-3'
Protein context (NP_056446.4, residues 154-174): SNGIRQFCVH[Val164Ala]NNSNLNYFQK